The following is an entry in ClinVar:

ClinVar aggregate classification (germline): Benign/Likely benign. Review status: criteria provided, multiple submitters, no conflicts (2 of 4 stars). 4 submissions from 4 submitters: Benign (1); Likely benign (2). 1 of the submissions does not count toward it. Last evaluated 2026-06-18.

Conditions:
PDGFRA-related disorder. Also called: PDGFRA-related condition.
Hereditary cancer-predisposing syndrome. Also called: Tumor predisposition; Hereditary neoplastic syndrome; Neoplastic Syndromes, Hereditary; Hereditary Cancer Syndrome. Identifiers: Orphanet 140162, MedGen C0027672, MeSH D009386, MONDO:0015356.
Gastrointestinal stromal tumor. Also called: Gastrointestinal stroma tumor; Gastrointestinal stromal tumor, somatic. Identifiers: Orphanet 44890, MedGen C0238198, MeSH D046152, MONDO:0011719, OMIM 606764, HP:0100723.
Polyps, multiple and recurrent inflammatory fibroid, gastrointestinal. Identifiers: MedGen C5193005, MONDO:0008285, OMIM 175510.

Allele frequency attached by ClinVar (database versions not stated): TOPMed 0.00001.
gnomAD v4.1: 7 of 1,613,740 alleles (0.00043%); highest among the groups gnomAD compares: Non-Finnish European, 0.00059%; no homozygotes.

Submissions (4):

Myriad Genetics, Inc.
Classification: Benign for Polyps, multiple and recurrent inflammatory fibroid, gastrointestinal. Last evaluated: 2026-06-18. Review status: criteria provided, single submitter. Criteria: Myriad Autosomal Dominant, Autosomal Recessive and X-Linked Classification Criteria (2023). Collection method: clinical testing. Allele origin: unknown.
Comment: This variant is considered benign. This variant is a silent/synonymous amino acid change and it is not expected to impact splicing.

Labcorp Genetics (formerly Invitae), Labcorp
Classification: Likely benign for Gastrointestinal stromal tumor. Last evaluated: 2025-12-22. Review status: criteria provided, single submitter. Criteria: Invitae Variant Classification Sherloc (09022015). Collection method: clinical testing. Allele origin: germline.

Ambry Genetics
Classification: Likely benign for Hereditary cancer-predisposing syndrome. Last evaluated: 2022-05-21. Review status: criteria provided, single submitter. Criteria: Ambry Variant Classification Scheme 2023. Collection method: clinical testing. Allele origin: germline.

PreventionGenetics, part of Exact Sciences
Classification: Likely benign for PDGFRA-related condition. Last evaluated: 2019-07-29. Review status: no assertion criteria provided. Collection method: clinical testing. Allele origin: germline. Not counted in ClinVar's aggregate classification.
Comment: This variant is classified as likely benign based on ACMG/AMP sequence variant interpretation guidelines (Richards et al. 2015 PMID: 25741868, with internal and published modifications).

NM_006206.6(PDGFRA):c.3042T>C (p.Ala1014=)

Gene: PDGFRA (platelet derived growth factor receptor alpha; plus strand). Cytogenetic location: 4q12.
Variant type: single nucleotide variant.
Coding change: c.3042T>C on transcript NM_006206.6 (MANE Select); coding-DNA position 3042, T replaced by C.
Protein change: p.Ala1014=; no amino-acid change (alanine 1014 retained).
Molecular consequence: synonymous variant.
Genome position (GRCh38, 1-based): chr4:54,290,474, T>C. VCF-style: chr4-54290474-T-C. GRCh37 (hg19) VCF-style: chr4-55156641-T-C.
Other names: c.3042T>C (NM_006206.5); c.3117T>C, p.Ala1039= (NM_001347828.2); c.3042T>C, p.Ala1014= (NM_001347829.2); c.3081T>C, p.Ala1027= (NM_001347830.2).
Identifiers: ClinVar variation 459082 (VCV000459082.16), dbSNP rs906910140, ClinGen allele CA96830232.